The following is an entry in ClinVar:

ClinVar aggregate classification (germline): Uncertain significance. Review status: criteria provided, multiple submitters, no conflicts (2 of 4 stars). 2 submissions from 2 submitters: Uncertain significance (2). Last evaluated 2025-09-02.

Allele frequency attached by ClinVar (database versions not stated): TOPMed 0.00002; gnomAD 0.00004; gnomAD exomes 0.00005 and 0.00006; ExAC 0.00008; ESP Exome Variant Server 0.00023.
gnomAD v4.1: 79 of 1,614,018 alleles (0.0049%); highest among the groups gnomAD compares: Non-Finnish European, 0.0055%; no homozygotes.

Submissions (2):

Labcorp Genetics (formerly Invitae), Labcorp
Classification: Uncertain significance. Last evaluated: 2025-09-02. Review status: criteria provided, single submitter. Criteria: Invitae Variant Classification Sherloc (09022015). Collection method: clinical testing. Allele origin: germline.
Comment: This sequence change replaces asparagine, which is neutral and polar, with serine, which is neutral and polar, at codon 2654 of the PIEZO2 protein (p.Asn2654Ser). This variant is present in population databases (rs376761944, gnomAD 0.02%). This variant has not been reported in the literature in individuals affected with PIEZO2-related conditions. ClinVar contains an entry for this variant (Variation ID: 1377965). Invitae Evidence Modeling of protein sequence and biophysical properties (such as structural, functional, and spatial information, amino acid conservation, physicochemical variation, residue mobility, and thermodynamic stability) indicates that this missense variant is not expected to disrupt PIEZO2 protein function with a negative predictive value of 80%. In summary, the available evidence is currently insufficient to determine the role of this variant in disease. Therefore, it has been classified as a Variant of Uncertain Significance.

Breakthrough Genomics
Classification: Uncertain significance. Review status: criteria provided, single submitter. Criteria: ACMG Guidelines, 2015. Collection method: not provided. Allele origin: germline. Inheritance: Autosomal recessive inheritance. Affected: yes.

NM_001378183.1(PIEZO2):c.8300A>G (p.Asn2767Ser)

Gene: PIEZO2 (piezo type mechanosensitive ion channel component 2; minus strand). Cytogenetic location: 18p11.22.
Variant type: single nucleotide variant.
Coding change: c.8300A>G on transcript NM_001378183.1 (MANE Select); coding-DNA position 8300, A replaced by G.
Protein change: p.Asn2767Ser; replaces asparagine 2767 with serine.
Molecular consequence: missense variant.
Genome position (GRCh38, 1-based): chr18:10,672,735, T>C on the plus strand (A>G on the coding strand, the complement: PIEZO2 is on the minus strand). VCF-style: chr18-10672735-T-C. GRCh37 (hg19) VCF-style: chr18-10672732-T-C.
Other names: c.7961A>G, p.Asn2654Ser (NM_022068.4); short protein forms N2654S, N2767S.
Identifiers: ClinVar variation 1377965 (VCV001377965.7), dbSNP rs376761944, ClinGen allele CA8891756.